The following is an entry in ClinVar:

ClinVar aggregate classification (germline): Uncertain significance (1 of 4 stars; one submission).

Conditions:
Inborn genetic diseases. Identifiers: MedGen C0950123, MeSH D030342.

Submission:

Ambry Genetics
Classification: Uncertain significance for Inborn genetic diseases. Last evaluated: 2023-11-15. Review status: criteria provided, single submitter. Criteria: Ambry Variant Classification Scheme 2023. Collection method: clinical testing. Allele origin: germline.
Comment: The p.E320G variant (also known as c.959A>G), located in coding exon 8 of the EPAS1 gene, results from an A to G substitution at nucleotide position 959. The glutamic acid at codon 320 is replaced by glycine, an amino acid with similar properties. This amino acid position is conserved. In addition, this alteration is predicted to be deleterious by in silico analysis. Since supporting evidence is limited at this time, the clinical significance of this alteration remains unclear.

NM_001430.5(EPAS1):c.959A>G (p.Glu320Gly)

Gene: EPAS1 (endothelial PAS domain protein 1; plus strand). Cytogenetic location: 2p21.
Variant type: single nucleotide variant.
Coding change: c.959A>G on transcript NM_001430.5 (MANE Select); coding-DNA position 959, A replaced by G.
Protein change: p.Glu320Gly; replaces glutamic acid 320 with glycine.
Molecular consequence: missense variant.
Genome position (GRCh38, 1-based): chr2:46,375,762, A>G. VCF-style: chr2-46375762-A-G. GRCh37 (hg19) VCF-style: chr2-46602901-A-G.
Other names: short protein forms E320G.
Identifiers: ClinVar variation 3221684 (VCV003221684.1), dbSNP rs1572646041, ClinGen allele CA346702826.
Genomic context (GRCh38, chr2:46,375,762, plus strand): 5'-GTCAGGTAGTAAGTGGCCAGTACCGGATGCTCGCAAAGCATGGGGGCTACGTGTGGCTGG[A>G]GACCCAGGGGACGGTCATCTACAACCCTCGCAACCTGCAGCCCCAGTGCATCATGTGTGT-3'
Protein context (NP_001421.2, residues 310-330): LAKHGGYVWL[Glu320Gly]TQGTVIYNPR